The following is an entry in ClinVar:

NM_130384.3(ATRIP):c.1342G>A (p.Asp448Asn)

Genes: ATRIP (ATR interacting protein; plus strand), ATRIP-TREX1 (ATRIP-TREX1 readthrough; plus strand). Cytogenetic location: 3p21.31.
Variant type: single nucleotide variant.
Coding change: c.1342G>A on transcript NM_130384.3 (MANE Select); coding-DNA position 1342, G replaced by A.
Protein change: p.Asp448Asn; replaces aspartic acid 448 with asparagine.
Molecular consequence: missense variant. On other transcripts: non-coding transcript variant (1).
Genome position (GRCh38, 1-based): chr3:48,460,396, G>A. VCF-style: chr3-48460396-G-A. GRCh37 (hg19) VCF-style: chr3-48501795-G-A.
Other names: c.961G>A, p.Asp321Asn (NM_001271022.2); c.1063G>A, p.Asp355Asn (NM_001271023.2); c.1342G>A, p.Asp448Asn (NM_032166.4); short protein forms D448N, D355N, D321N.
Identifiers: ClinVar variation 3809482 (VCV003809482.1).

ClinVar aggregate classification (germline): Uncertain significance (1 of 4 stars; one submission).

Submission:

Ambry Genetics
Classification: Uncertain significance. Last evaluated: 2025-01-02. Review status: criteria provided, single submitter. Criteria: Ambry Variant Classification Scheme 2023. Collection method: clinical testing. Allele origin: germline.
Comment: The p.D448N variant (also known as c.1342G>A), located in coding exon 8 of the ATRIP gene, results from a G to A substitution at nucleotide position 1342. The aspartic acid at codon 448 is replaced by asparagine, an amino acid with highly similar properties. This amino acid position is conserved. In addition, this alteration is predicted to be tolerated by in silico analysis. Based on the available evidence, the clinical significance of this variant remains unclear.